The following is an entry in ClinVar:

NM_001037333.3(CYFIP2):c.2541C>G (p.Asn847Lys)

Gene: CYFIP2 (cytoplasmic FMR1 interacting protein 2; plus strand). Cytogenetic location: 5q33.3.
Variant type: single nucleotide variant.
Coding change: c.2541C>G on transcript NM_001037333.3 (MANE Select); coding-DNA position 2541, C replaced by G.
Protein change: p.Asn847Lys; replaces asparagine 847 with lysine.
Molecular consequence: missense variant.
Genome position (GRCh38, 1-based): chr5:157,339,212, C>G. VCF-style: chr5-157339212-C-G. GRCh37 (hg19) VCF-style: chr5-156766220-C-G.
Other names: c.2463C>G, p.Asn821Lys (NM_001291721.2); c.2616C>G, p.Asn872Lys (NM_001291722.2); c.2541C>G, p.Asn847Lys (NM_014376.4); short protein forms N821K, N847K, N872K.
Identifiers: ClinVar variation 3769944 (VCV003769944.1).

ClinVar aggregate classification (germline): Uncertain significance (1 of 4 stars; one submission).

Submission:

GeneDx
Classification: Uncertain significance. Last evaluated: 2024-09-09. Review status: criteria provided, single submitter. Criteria: GeneDx Variant Classification Process June 2021. Collection method: clinical testing. Allele origin: germline. Affected: yes.
Comment: Not observed at significant frequency in large population cohorts (gnomAD); In silico analysis supports that this missense variant has a deleterious effect on protein structure/function; Has not been previously published as pathogenic or benign to our knowledge